The following is an entry in ClinVar:

ClinVar aggregate classification (germline): Uncertain significance (1 of 4 stars; one submission).

Submission:

Labcorp Genetics (formerly Invitae), Labcorp
Classification: Uncertain significance. Last evaluated: 2025-08-04. Review status: criteria provided, single submitter. Criteria: Invitae Variant Classification Sherloc (09022015). Collection method: clinical testing. Allele origin: germline.
Comment: This sequence change falls in intron 11 of the NTRK2 gene. It does not directly change the encoded amino acid sequence of the NTRK2 protein. It affects a nucleotide within the consensus splice site. The frequency data for this variant in the population databases is considered unreliable, as metrics indicate poor data quality at this position in the gnomAD database. This variant has not been reported in the literature in individuals affected with NTRK2-related conditions. Variants that disrupt the consensus splice site are a relatively common cause of aberrant splicing (PMID: 17576681, 9536098). Algorithms developed to predict the effect of sequence changes on RNA splicing suggest that this variant is not likely to affect RNA splicing. In summary, the available evidence is currently insufficient to determine the role of this variant in disease. Therefore, it has been classified as a Variant of Uncertain Significance.

Literature cited by the submitters: PubMed 17576681; PubMed 9536098.

NM_006180.6(NTRK2):c.1160-3T>C

Gene: NTRK2 (neurotrophic receptor tyrosine kinase 2; plus strand). Cytogenetic location: 9q21.33.
Variant type: single nucleotide variant.
Coding change: c.1160-3T>C on transcript NM_006180.6 (MANE Select); 3 bases into the intron before coding-DNA position 1160, T replaced by C.
Molecular consequence: intron variant.
Genome position (GRCh38, 1-based): chr9:84,741,889, T>C. VCF-style: chr9-84741889-T-C. GRCh37 (hg19) VCF-style: chr9-87356804-T-C.
Other names: c.1160-3T>C (NM_001018064.3, NM_001369548.1, NM_001369538.1 and 15 more transcripts); c.692-3T>C (NM_001369536.1, NM_001369535.1, NM_001369550.1 and 2 more transcripts); c.1121-3T>C (NM_001369546.1, NM_001291937.2); c.1160-3084T>C (NM_001369534.1).
Identifiers: ClinVar variation 4763165 (VCV004763165.1).